The following is an entry in ClinVar:

NM_001064.4(TKT):c.605A>G (p.Tyr202Cys)

Gene: TKT (transketolase; minus strand). Cytogenetic location: 3p21.1.
Variant type: single nucleotide variant.
Coding change: c.605A>G on transcript NM_001064.4 (MANE Select); coding-DNA position 605, A replaced by G.
Protein change: p.Tyr202Cys; replaces tyrosine 202 with cysteine.
Molecular consequence: missense variant. On other transcripts: non-coding transcript variant (1).
Genome position (GRCh38, 1-based): chr3:53,235,007, T>C on the plus strand (A>G on the coding strand, the complement: TKT is on the minus strand). VCF-style: chr3-53235007-T-C. GRCh37 (hg19) VCF-style: chr3-53269023-T-C.
Other names: c.605A>G, p.Tyr202Cys (NM_001135055.3); c.629A>G, p.Tyr210Cys (NM_001258028.2); short protein forms Y202C, Y210C.
Identifiers: ClinVar variation 3969134 (VCV003969134.2).

ClinVar aggregate classification (germline): Uncertain significance. Review status: criteria provided, multiple submitters, no conflicts (2 of 4 stars). 2 submissions from 2 submitters: Uncertain significance (2). Last evaluated 2025-08-25.

Conditions:
Transketolase deficiency. Also called: Short stature, developmental delay, and congenital heart defects. Identifiers: Orphanet 488618, MedGen C5700245, MONDO:0014881, OMIM 617044.

gnomAD v4.1: 4 of 1,613,614 alleles (0.00025%); highest among the groups gnomAD compares: Non-Finnish European, 0.00034%; no homozygotes.

Submissions (2):

Daryl Scott Lab, Baylor College of Medicine
Classification: Uncertain significance for Transketolase deficiency. Last evaluated: 2025-08-25. Review status: criteria provided, single submitter. Criteria: ACMG Guidelines, 2015. Collection method: clinical testing. Allele origin: maternal. Affected: yes. Observed: 1 compound heterozygote.
Comment: PM2, PP3

Ambry Genetics
Classification: Uncertain significance. Last evaluated: 2025-05-06. Review status: criteria provided, single submitter. Criteria: Ambry Variant Classification Scheme 2023. Collection method: clinical testing. Allele origin: germline.